The following is an entry in ClinVar:

NM_000342.4(SLC4A1):c.748G>A (p.Ala250Thr)

Gene: SLC4A1 (solute carrier family 4 member 1 (Diego blood group); minus strand). Cytogenetic location: 17q21.31.
Variant type: single nucleotide variant.
Coding change: c.748G>A on transcript NM_000342.4 (MANE Select); coding-DNA position 748, G replaced by A.
Protein change: p.Ala250Thr; replaces alanine 250 with threonine.
Molecular consequence: missense variant.
Genome position (GRCh38, 1-based): chr17:44,259,291, C>T on the plus strand (G>A on the coding strand, the complement: SLC4A1 is on the minus strand). VCF-style: chr17-44259291-C-T. GRCh37 (hg19) VCF-style: chr17-42336659-C-T.
Other names: short protein forms A250T.
Identifiers: ClinVar variation 4772636 (VCV004772636.1).

ClinVar aggregate classification (germline): Uncertain significance (1 of 4 stars; one submission).

Submission:

Labcorp Genetics (formerly Invitae), Labcorp
Classification: Uncertain significance. Last evaluated: 2025-05-03. Review status: criteria provided, single submitter. Criteria: Invitae Variant Classification Sherloc (09022015). Collection method: clinical testing. Allele origin: germline.
Comment: This sequence change replaces alanine, which is neutral and non-polar, with threonine, which is neutral and polar, at codon 250 of the SLC4A1 protein (p.Ala250Thr). This variant is present in population databases (rs774242801, gnomAD 0.006%). This variant has not been reported in the literature in individuals affected with SLC4A1-related conditions. Invitae Evidence Modeling of protein sequence and biophysical properties (such as structural, functional, and spatial information, amino acid conservation, physicochemical variation, residue mobility, and thermodynamic stability) indicates that this missense variant is not expected to disrupt SLC4A1 protein function with a negative predictive value of 80%. In summary, the available evidence is currently insufficient to determine the role of this variant in disease. Therefore, it has been classified as a Variant of Uncertain Significance.